The following is an entry in ClinVar:

NM_018723.4(RBFOX1):c.235G>C (p.Asp79His)

Gene: RBFOX1 (RNA binding fox-1 homolog 1; plus strand). Cytogenetic location: 16p13.3.
Variant type: single nucleotide variant.
Coding change: c.235G>C on transcript NM_018723.4 (MANE Select); coding-DNA position 235, G replaced by C.
Protein change: p.Asp79His; replaces aspartic acid 79 with histidine.
Molecular consequence: missense variant.
Genome position (GRCh38, 1-based): chr16:7,518,354, G>C. VCF-style: chr16-7518354-G-C. GRCh37 (hg19) VCF-style: chr16-7568356-G-C.
Other names: c.235G>C, p.Asp79His (NM_001142333.2, NM_001142334.2, NM_001364800.2); c.364G>C, p.Asp122His (NM_001308117.1); c.295G>C, p.Asp99His (NM_145891.3, NM_145892.3, NM_145893.3); short protein forms D122H, D79H, D99H.
Identifiers: ClinVar variation 1356450 (VCV001356450.8), dbSNP rs764702003, ClinGen allele CA394796699.

ClinVar aggregate classification (germline): Uncertain significance (1 of 4 stars; one submission).

Conditions:
Idiopathic generalized epilepsy. Also called: EIG; Generalised epilepsy. Identifiers: MedGen C0270850, MONDO:0005579, OMIM 600669.

gnomAD v4.1: 1 of 1,613,348 alleles (0.000062%); highest among the groups gnomAD compares: Non-Finnish European, 0.000085%; no homozygotes.

Submission:

Labcorp Genetics (formerly Invitae), Labcorp
Classification: Uncertain significance for Idiopathic generalized epilepsy. Last evaluated: 2025-01-13. Review status: criteria provided, single submitter. Criteria: Invitae Variant Classification Sherloc (09022015). Collection method: clinical testing. Allele origin: germline.
Comment: This sequence change replaces aspartic acid, which is acidic and polar, with histidine, which is basic and polar, at codon 99 of the RBFOX1 protein (p.Asp99His). This variant is not present in population databases (gnomAD no frequency). This variant has not been reported in the literature in individuals affected with RBFOX1-related conditions. ClinVar contains an entry for this variant (Variation ID: 1356450). Invitae Evidence Modeling of protein sequence and biophysical properties (such as structural, functional, and spatial information, amino acid conservation, physicochemical variation, residue mobility, and thermodynamic stability) indicates that this missense variant is not expected to disrupt RBFOX1 protein function with a negative predictive value of 80%. In summary, the available evidence is currently insufficient to determine the role of this variant in disease. Therefore, it has been classified as a Variant of Uncertain Significance.